The following is an entry in ClinVar:

NM_005121.3(MED13):c.2233dup (p.Met745fs)

Gene: MED13 (mediator complex subunit 13; minus strand). Cytogenetic location: 17q23.2.
Variant type: Duplication.
Coding change: c.2233dup on transcript NM_005121.3 (MANE Select); coding-DNA position 2233, one base duplicated (A; older notation c.2233dupA).
Protein change: p.Met745fs; shifts the reading frame from methionine 745.
Molecular consequence: frameshift variant.
Genome position (GRCh38, 1-based): chr17:61,992,570, T duplicated on the plus strand (A on the coding strand, the reverse complement: MED13 is on the minus strand). VCF-style (leftmost placement, unchanged base first): chr17-61992569-A-AT. GRCh37 (hg19) VCF-style: chr17-60069930-A-AT.
Other names: short protein forms M745fs.
Identifiers: ClinVar variation 4850713 (VCV004850713.1).

ClinVar aggregate classification (germline): Pathogenic (1 of 4 stars; one submission).

Conditions:
Intellectual developmental disorder 61. Also called: MENTAL RETARDATION, AUTOSOMAL DOMINANT 61; INTELLECTUAL DEVELOPMENTAL DISORDER, AUTOSOMAL DOMINANT 61. Identifiers: MedGen C5231400, MONDO:0032485, OMIM 618009.

Submission:

Variantyx, Inc.
Classification: Pathogenic for Intellectual developmental disorder 61. Last evaluated: 2025-12-02. Review status: criteria provided, single submitter. Criteria: Variantyx Assertion Criteria 2022. Collection method: clinical testing. Allele origin: de novo. Inheritance: Autosomal dominant inheritance. Affected: yes.
Comment: This is a frameshift variant in the MED13 gene (OMIM: 603808). Pathogenic variants in this gene have been associated with autosomal dominant intellectual developmental disorder 61. This variant introduces a premature termination codon in exon 11 out of 30 and is expected to result in loss of function, which is a known disease mechanism for MED13 in this disorder (PMID: 29740199) (PVS1). This variant is absent from control populations (PM2), and it has not been previously reported in individuals with MED13-related disorders in the databases available for review. Based on the current evidence, this variant is classified as pathogenic for autosomal dominant intellectual developmental disorder 61.

Literature cited by the submitters: PubMed 29740199.